The following is an entry in ClinVar:

NM_004586.3(RPS6KA3):c.1894C>T (p.Arg632Ter)

Gene: RPS6KA3 (ribosomal protein S6 kinase A3; minus strand). Cytogenetic location: Xp22.12.
Variant type: single nucleotide variant.
Coding change: c.1894C>T on transcript NM_004586.3 (MANE Select); coding-DNA position 1894, C replaced by T.
Protein change: p.Arg632Ter; replaces arginine 632 with a stop codon.
Molecular consequence: nonsense.
Genome position (GRCh38, 1-based): chrX:20,161,709, G>A on the plus strand (C>T on the coding strand, the complement: RPS6KA3 is on the minus strand). VCF-style: chrX-20161709-G-A. GRCh37 (hg19) VCF-style: chrX-20179827-G-A.
Other names: NM_004586.3(RPS6KA3):c.1894C>T; p.Arg632Ter; short protein forms R632*.
Identifiers: ClinVar variation 426465 (VCV000426465.20), dbSNP rs1085307639, ClinGen allele CA412513571.

ClinVar aggregate classification (germline): Pathogenic. Review status: criteria provided, multiple submitters, no conflicts (2 of 4 stars). 8 submissions from 8 submitters: Pathogenic (8). Last evaluated 2026-03-02.

Conditions:
RPS6KA3-related disorder. Also called: RPS6KA3-related condition.
Coffin-Lowry syndrome (CLS). Also called: COFFIN-LOWRY SYNDROME, MILD; Mental retardation with osteocartilaginous abnormalities. Identifiers: Orphanet 192, MedGen C0265252, MONDO:0010561, OMIM 303600.
Intellectual developmental disorder, X-linked 19. Also called: Intellectual disability, X-linked 19. Identifiers: Orphanet 777, MedGen C0796225, MONDO:0010447, OMIM 300844.

Submissions (8):

Broad Center for Mendelian Genomics, Broad Institute of MIT and Harvard
Classification: Pathogenic for Coffin-Lowry syndrome. Last evaluated: 2026-03-02. Review status: criteria provided, single submitter. Criteria: ACMG Guidelines, 2015. Collection method: research. Allele origin: germline. Inheritance: X-linked inheritance.
Comment: Trio exome analysis showed this variant to be de novo. The p.Arg632Ter variant in RPS6KA3 has been reported in at least 3 other individuals with Coffin-Lowry syndrome (PMID: 29304373, 31130284, 32371413), and was absent from large population studies. This variant has also been reported in ClinVar (Variation ID: 426465) and has been interpreted as pathogenic by Nationwide Children's Hospital, Women's Health and Genetics/Laboratory Corporation of America (LabCorp), Institute of Human Genetics - Klinikum rechts der Isar, Invitae, and GeneDx. This variant was found to be de novo in 1 individual with confirmed paternity and maternity (PMID: 32371413). This nonsense variant leads to a premature termination codon at position 632, which is predicted to lead to a truncated or absent protein. Heterozygous loss of function of the RPS6KA3 gene is an established disease mechanism in Coffin-Lowry syndrome. In summary, this variant meets criteria to be classified as pathogenic for autosomal dominant Coffin-Lowry syndrome. ACMG/AMP Criteria applied: PVS1, PS2, PM2_supporting, PS4_supporting (Richards 2015).

Greenwood Genetic Center Diagnostic Laboratories, Greenwood Genetic Center
Classification: Pathogenic for RPS6KA3-related disorder. Last evaluated: 2025-10-28. Review status: criteria provided, single submitter. Criteria: ACMG Guidelines, 2015. Collection method: clinical testing. Allele origin: germline. Affected: yes.
Comment: PVS1, PS2, PS4, PM2

Laboratory for Molecular Medicine, Mass General Brigham Personalized Medicine
Classification: Pathogenic for Coffin-Lowry syndrome. Last evaluated: 2023-08-16. Review status: criteria provided, single submitter. Criteria: ACMG Guidelines, 2015. Collection method: clinical testing. Allele origin: germline.
Comment: The c.1894C>T (p.Arg632X) variant in RPS6KA3 has been previously reported in 3 individuals with Coffin-Lowry Syndrome, one of which was confirmed to be de novo (Aref-Eshghi 2018 PMID: 29304373, Monies 2019 PMID: 31130284, Miller 2020 PMID: 32371413). This variant was absent from large population studies (gnomAD). This variant has also been reported in ClinVar (Variation ID: 426465). This nonsense variant leads to a premature termination codon at position 632, which is predicted to lead to a truncated or absent protein. Loss of function of the RPS6KA3 gene is an established disease mechanism in X-linked Coffin-Lowry Syndrome (Jacquot 1998 PMID: 9837815, Delaunoy 2006 PMID: 16879200). In summary, this variant meets criteria to be classified as pathogenic for X-linked Coffin-Lowry Syndrome. ACMG/AMP Criteria applied: PVS1, PS2, PS4_Moderate, PM2_Supporting.

GeneDx
Classification: Pathogenic. Last evaluated: 2022-08-16. Review status: criteria provided, single submitter. Criteria: GeneDx Variant Classification Process June 2021. Collection method: clinical testing. Allele origin: germline. Affected: yes.
Comment: Nonsense variant predicted to result in protein truncation or nonsense mediated decay in a gene for which loss-of-function is a known mechanism of disease; Not observed at significant frequency in large population cohorts (gnomAD); This variant is associated with the following publications: (PMID: 32371413, 31130284, 29304373)

Institute of Human Genetics Munich, TUM University Hospital
Classification: Pathogenic for Coffin-Lowry syndrome. Last evaluated: 2022-07-20. Review status: criteria provided, single submitter. Criteria: Classification criteria August 2017. Collection method: clinical testing. Allele origin: de novo. Inheritance: X-linked inheritance. Affected: yes. Observed: 1 variant allele.

Labcorp Genetics (formerly Invitae), Labcorp
Classification: Pathogenic for Coffin-Lowry syndrome; Intellectual developmental disorder, X-linked 19. Last evaluated: 2022-07-11. Review status: criteria provided, single submitter. Criteria: Invitae Variant Classification Sherloc (09022015). Collection method: clinical testing. Allele origin: germline.
Comment: This premature translational stop signal has been observed in individual(s) with clinical features of Coffin-Lowry syndrome (PMID: 29304373, 31130284, 32371413). For these reasons, this variant has been classified as Pathogenic. ClinVar contains an entry for this variant (Variation ID: 426465). This variant is not present in population databases (gnomAD no frequency). This sequence change creates a premature translational stop signal (p.Arg632*) in the RPS6KA3 gene. It is expected to result in an absent or disrupted protein product. Loss-of-function variants in RPS6KA3 are known to be pathogenic (PMID: 9837815, 19888300).

Women's Health and Genetics/Laboratory Corporation of America, LabCorp
Classification: Pathogenic for Coffin-Lowry syndrome. Last evaluated: 2022-06-20. Review status: criteria provided, single submitter. Criteria: LabCorp Variant Classification Summary - May 2015. Collection method: clinical testing. Allele origin: germline.
Comment: Variant summary: RPS6KA3 c.1894C>T (p.Arg632X) results in a premature termination codon, predicted to cause a truncation of the encoded protein or absence of the protein due to nonsense mediated decay, which are commonly known mechanisms for disease. Truncations downstream of this position have been classified as pathogenic (e.g c.1934G>A (p.Trp645X); c.1996C>T (p.Gln666X); c.2065C>T (p.Gln689X); ClinVar). The variant was absent in 179201 control chromosomes. c.1894C>T has been reported in the literature in individuals affected with Coffin-Lowry Syndrome (e.g. Aref-Eshghi_2018, Monies_2019, Miller_2020) including one case where it was confirmed to be de novo (Miller_2020). These data indicate that the variant is very likely associated with disease. Two clinical diagnostic laboratories have submitted clinical-significance assessments for this variant to ClinVar after 2014 and both classified the variant as pathogenic. Based on the evidence outlined above, the variant was classified as pathogenic.

Institute for Genomic Medicine (IGM) Clinical Laboratory, Nationwide Children's Hospital
Classification: Pathogenic for Coffin-Lowry syndrome. Last evaluated: 2017-10-16. Review status: criteria provided, single submitter. Criteria: ACMG Guidelines, 2015. Collection method: clinical testing. Allele origin: germline. Affected: yes.
Comment: [ACMG/AMP: PVS1, PS2, PM2, PP5] This alteration is a null variant in a gene where LOF is a known mechanism of disease [PVS1], is de novo in origin as it was not detected in the submitted parental specimens (identity confirmed) [PS2], is absent from or rarely observed in large-scale population databases [PM2], was reported as a pathogenic/likely pathogenic alteration by a reputable source (ClinVar or other correspondence from a clinical testing laboratory) [PP5].

Literature cited by the submitters: PubMed 29304373 (cited by 4 submitters); PubMed 31130284 (cited by 4 submitters); PubMed 32371413 (cited by 4 submitters); PubMed 16879200 (cited by Laboratory for Molecular Medicine, Mass General Brigham Personalized Medicine); PubMed 9837815 (cited by Laboratory for Molecular Medicine, Mass General Brigham Personalized Medicine and Labcorp Genetics (formerly Invitae), Labcorp); PubMed 19888300 (cited by Labcorp Genetics (formerly Invitae), Labcorp).